The following is an entry in ClinVar:

NM_001478.5(B4GALNT1):c.1514G>A (p.Arg505His)

Gene: B4GALNT1 (beta-1,4-N-acetyl-galactosaminyltransferase 1; minus strand). Cytogenetic location: 12q13.3.
Variant type: single nucleotide variant.
Coding change: c.1514G>A on transcript NM_001478.5 (MANE Select); coding-DNA position 1514, G replaced by A.
Protein change: p.Arg505His; replaces arginine 505 with histidine.
Molecular consequence: missense variant.
Genome position (GRCh38, 1-based): chr12:57,626,832, C>T on the plus strand (G>A on the coding strand, the complement: B4GALNT1 is on the minus strand). VCF-style: chr12-57626832-C-T. GRCh37 (hg19) VCF-style: chr12-58020615-C-T.
Other names: c.1349G>A, p.Arg450His (NM_001276468.2); short protein forms R450H, R505H.
Identifiers: ClinVar variation 1074269 (VCV001074269.8), dbSNP rs144887664, ClinGen allele CA6655420.

ClinVar aggregate classification (germline): Pathogenic/Likely pathogenic. Review status: criteria provided, multiple submitters, no conflicts (2 of 4 stars). 2 submissions from 2 submitters: Pathogenic (1); Likely pathogenic (1). Last evaluated 2025-12-23.

Conditions:
Hereditary spastic paraplegia 26 (SPG26). Also called: SPASTIC PARAPLEGIA 26, AUTOSOMAL RECESSIVE. Identifiers: Orphanet 101006, MedGen C1836632, MONDO:0012213, OMIM 609195.
Spastic paraplegia. Identifiers: MedGen C0037772, HP:0001258.

Allele frequency attached by ClinVar (database versions not stated): ExAC 0.00002; gnomAD exomes 0.00003; TOPMed 0.00002; ESP Exome Variant Server 0.00008.
gnomAD v4.1: 38 of 1,614,200 alleles (0.0024%); highest among the groups gnomAD compares: Non-Finnish European, 0.003%; no homozygotes.

Submissions (2):

Labcorp Genetics (formerly Invitae), Labcorp
Classification: Pathogenic for Spastic paraplegia. Last evaluated: 2025-12-23. Review status: criteria provided, single submitter. Criteria: Invitae Variant Classification Sherloc (09022015). Collection method: clinical testing. Allele origin: germline.
Comment: This sequence change replaces arginine, which is basic and polar, with histidine, which is basic and polar, at codon 505 of the B4GALNT1 protein (p.Arg505His). This variant is present in population databases (rs144887664, gnomAD 0.007%). This missense change has been observed in individual(s) with clinical features of hereditary spastic paraplegia (PMID: 24103911). It has also been observed to segregate with disease in related individuals. ClinVar contains an entry for this variant (Variation ID: 1074269). Invitae Evidence Modeling of protein sequence and biophysical properties (such as structural, functional, and spatial information, amino acid conservation, physicochemical variation, residue mobility, and thermodynamic stability) indicates that this missense variant is expected to disrupt B4GALNT1 protein function with a positive predictive value of 80%. Experimental studies have shown that this missense change affects B4GALNT1 function (PMID: 30521973). For these reasons, this variant has been classified as Pathogenic.

3billion
Classification: Likely pathogenic for Hereditary spastic paraplegia 26. Last evaluated: 2025-11-05. Review status: criteria provided, single submitter. Criteria: ACMG Guidelines, 2015. Collection method: clinical testing. Allele origin: germline. Affected: yes.
Comment: The variant is observed at an extremely low frequency in the gnomAD v4.1.0 dataset (total allele frequency: 0.003%). Predicted Consequence/Location: Missense variant. The majority of the known disease-causing variants of this gene are variants expected to result in premature termination of the protein. Functional studies provide moderate evidence of the variant having a damaging effect on the gene or gene product (PMID: 30521973). In silico tool predictions suggest damaging effect of the variant on gene or gene product [REVEL: 0.81 (>=0.6, sensitivity 0.68 and specificity 0.92); 3Cnet: 0.95 (> 0.75, sensitivity 0.96 and precision 0.92)]. The same nucleotide change resulting in the same amino acid change has been previously reported to be associated with B4GALNT1-related disorder (ClinVar ID: VCV001074269 /PMID: 24103911).The variant has been reported to co-segregate with the disease in at least 3 similarly affected relatives/individuals in the same family or similarly affected unrelated families (PMID: 24103911). A different missense change at the same codon (p.Arg505Cys) has been reported as pathogenic/likely pathogenic with strong evidence (ClinVar ID: VCV000989144 /PMID: 34983064). Therefore, this variant is classified as Likely pathogenic according to the recommendation of ACMG/AMP guideline.

Literature cited by the submitters: PubMed 24103911 (cited by Labcorp Genetics (formerly Invitae), Labcorp and 3billion); PubMed 30521973 (cited by Labcorp Genetics (formerly Invitae), Labcorp and 3billion); PubMed 34983064 (cited by 3billion).